The following is an entry in ClinVar:

ClinVar aggregate classification (germline): Uncertain significance (1 of 4 stars; one submission).

Submission:

GeneDx
Classification: Uncertain significance. Last evaluated: 2023-11-30. Review status: criteria provided, single submitter. Criteria: GeneDx Variant Classification Process June 2021. Collection method: clinical testing. Allele origin: germline. Affected: yes.
Comment: In-frame insertion of one amino acid in a non-repeat region; Not observed at significant frequency in large population cohorts (gnomAD); Has not been previously published as pathogenic or benign to our knowledge

NM_004100.5(EYA4):c.1535_1536insGTT (p.Leu512_Gln513insLeu)

Genes: EYA4 (EYA transcriptional coactivator and phosphatase 4; plus strand), TARID (TCF21 antisense RNA inducing promoter demethylation; minus strand). Cytogenetic location: 6q23.2.
Variant type: Insertion.
Coding change: c.1535_1536insGTT on transcript NM_004100.5 (MANE Select); coding-DNA positions 1535 to 1536, GTT inserted.
Protein change: p.Leu512_Gln513insLeu.
Genome position: GRCh38 VCF-style: chr6-133515353-C-CTGT. GRCh37 (hg19) VCF-style: chr6-133836491-C-CTGT.
Other names: c.1373_1374insGTT, p.Leu458_Gln459insLeu (NM_001301012.2); c.1553_1554insGTT, p.Leu518_Gln519insLeu (NM_001301013.2); c.1466_1467insGTT, p.Leu489_Gln490insLeu (NM_001370458.1, NM_172103.4); c.1391_1392insGTT, p.Leu464_Gln465insLeu (NM_001370459.1); c.1535_1536insGTT, p.Leu512_Gln513insLeu (NM_172105.4).
Identifiers: ClinVar variation 3364855 (VCV003364855.1).